The following is an entry in ClinVar:

NM_006397.3(RNASEH2A):c.700G>T (p.Val234Phe)

Gene: RNASEH2A (ribonuclease H2 subunit A; plus strand). Cytogenetic location: 19p13.13.
Variant type: single nucleotide variant.
Coding change: c.700G>T on transcript NM_006397.3 (MANE Select); coding-DNA position 700, G replaced by T.
Protein change: p.Val234Phe; replaces valine 234 with phenylalanine.
Molecular consequence: missense variant.
Genome position (GRCh38, 1-based): chr19:12,813,145, G>T. VCF-style: chr19-12813145-G-T. GRCh37 (hg19) VCF-style: chr19-12923959-G-T.
Other names: short protein forms V234F.
Identifiers: ClinVar variation 4742317 (VCV004742317.1).
Genomic context (GRCh38, chr19:12,813,145, plus strand): 5'-CCCAAGACAAAAGCGTGGTTGAAGGAGCACGTGGAGCCTGTGTTCGGCTTCCCCCAGTTT[G>T]TCCGGTTCAGCTGGCGCACGGCCCAGACCATCCTGGAGAAAGAGGCGGAAGATGTTATAT-3'
Protein context (NP_006388.2, residues 224-244): VEPVFGFPQF[Val234Phe]RFSWRTAQTI

ClinVar aggregate classification (germline): Uncertain significance (1 of 4 stars; one submission).

Conditions:
Aicardi-Goutieres syndrome 4. Identifiers: Orphanet 51, MedGen C1835912, MONDO:0012472, OMIM 610333.

Submission:

Labcorp Genetics (formerly Invitae), Labcorp
Classification: Uncertain significance for Aicardi-Goutieres syndrome 4. Last evaluated: 2025-02-23. Review status: criteria provided, single submitter. Criteria: Invitae Variant Classification Sherloc (09022015). Collection method: clinical testing. Allele origin: germline.
Comment: This sequence change replaces valine, which is neutral and non-polar, with phenylalanine, which is neutral and non-polar, at codon 234 of the RNASEH2A protein (p.Val234Phe). This variant is present in population databases (no rsID available, gnomAD 0.007%). This variant has not been reported in the literature in individuals affected with RNASEH2A-related conditions. Invitae Evidence Modeling of protein sequence and biophysical properties (such as structural, functional, and spatial information, amino acid conservation, physicochemical variation, residue mobility, and thermodynamic stability) has been performed for this missense variant. However, the output from this modeling did not meet the statistical confidence thresholds required to predict the impact of this variant on RNASEH2A protein function. In summary, the available evidence is currently insufficient to determine the role of this variant in disease. Therefore, it has been classified as a Variant of Uncertain Significance.